The following is an entry in ClinVar:

NM_003640.5(ELP1):c.3031C>T (p.Arg1011Cys)

Gene: ELP1 (elongator acetyltransferase complex subunit 1; minus strand). Cytogenetic location: 9q31.3.
Variant type: single nucleotide variant.
Coding change: c.3031C>T on transcript NM_003640.5 (MANE Select); coding-DNA position 3031, C replaced by T.
Protein change: p.Arg1011Cys; replaces arginine 1011 with cysteine.
Molecular consequence: missense variant.
Genome position (GRCh38, 1-based): chr9:108,891,332, G>A on the plus strand (C>T on the coding strand, the complement: ELP1 is on the minus strand). VCF-style: chr9-108891332-G-A. GRCh37 (hg19) VCF-style: chr9-111653612-G-A.
Other names: c.3031C>T (NM_003640.4); c.2689C>T, p.Arg897Cys (NM_001318360.2); c.1984C>T, p.Arg662Cys (NM_001330749.2); short protein forms R897C, R662C, R1011C.
Identifiers: ClinVar variation 967730 (VCV000967730.15), dbSNP rs763981711, ClinGen allele CA5174455.

ClinVar aggregate classification (germline): Uncertain significance. Review status: criteria provided, multiple submitters, no conflicts (2 of 4 stars). 6 submissions from 6 submitters: Uncertain significance (5). 1 of the submissions does not count toward it. Last evaluated 2026-06-24.

Conditions:
ELP1-related disorder. Also called: ELP1-related condition.
Familial dysautonomia. Also called: FD; HSAN III. Identifiers: Orphanet 1764, MedGen C0013364, MONDO:0009131, OMIM 223900. Disease mechanism: loss of function.
Medulloblastoma (MDB). Also called: Medulloblastoma, somatic; MEDULLOBLASTOMA PREDISPOSITION SYNDROME. Identifiers: Orphanet 616, MedGen C0025149, MeSH D008527, MONDO:0007959, OMIM 155255, HP:0002885.

Allele frequency attached by ClinVar (database versions not stated): gnomAD 0.00001; TOPMed 0.00001; ExAC 0.00002; gnomAD exomes 0.00002.
gnomAD v4.1: 24 of 1,614,000 alleles (0.0015%); highest among the groups gnomAD compares: African/African-American, 0.004%; no homozygotes.

Submissions (6):

PreventionGenetics, part of Exact Sciences
Classification: Uncertain significance for ELP1-related condition. Last evaluated: 2026-06-24. Review status: criteria provided, single submitter. Criteria: ACMG Guidelines, 2015. Collection method: clinical testing. Allele origin: germline.
Comment: The ELP1 c.3031C>T variant is predicted to result in the amino acid substitution p.Arg1011Cys. To our knowledge, this variant has not been reported in the literature. This variant is reported in 0.0040% of alleles in individuals of African descent in gnomAD. At this time, the clinical significance of this variant is uncertain due to the absence of conclusive functional and genetic evidence.

Fulgent Genetics
Classification: Uncertain significance for Medulloblastoma; Familial dysautonomia. Last evaluated: 2024-06-06. Review status: criteria provided, single submitter. Criteria: ACMG Guidelines, 2015. Collection method: clinical testing. Allele origin: germline.

Labcorp Genetics (formerly Invitae), Labcorp
Classification: Uncertain significance. Last evaluated: 2022-08-01. Review status: criteria provided, single submitter. Criteria: Invitae Variant Classification Sherloc (09022015). Collection method: clinical testing. Allele origin: germline.
Comment: This sequence change replaces arginine, which is basic and polar, with cysteine, which is neutral and slightly polar, at codon 1011 of the ELP1 protein (p.Arg1011Cys). This variant is present in population databases (rs763981711, gnomAD 0.004%). This variant has not been reported in the literature in individuals affected with ELP1-related conditions. ClinVar contains an entry for this variant (Variation ID: 967730). Algorithms developed to predict the effect of missense changes on protein structure and function (SIFT, PolyPhen-2, Align-GVGD) all suggest that this variant is likely to be disruptive. In summary, the available evidence is currently insufficient to determine the role of this variant in disease. Therefore, it has been classified as a Variant of Uncertain Significance.

Ambry Genetics
Classification: Uncertain significance. Last evaluated: 2022-04-07. Review status: criteria provided, single submitter. Criteria: Ambry Variant Classification Scheme 2023. Collection method: clinical testing. Allele origin: germline.

Genome-Nilou Lab
Classification: Uncertain significance for Familial dysautonomia. Last evaluated: 2021-07-14. Review status: criteria provided, single submitter. Criteria: ACMG Guidelines, 2015. Collection method: clinical testing. Allele origin: germline. Affected: no.

Natera, Inc.
Classification: Uncertain significance for Familial dysautonomia. Last evaluated: 2020-04-28. Review status: no assertion criteria provided. Collection method: clinical testing. Allele origin: germline. Not counted in ClinVar's aggregate classification.